The following is an entry in ClinVar:

NM_004380.3(CREBBP):c.7093C>G (p.Pro2365Ala)

Gene: CREBBP (CREB binding lysine acetyltransferase; minus strand). Cytogenetic location: 16p13.3.
Variant type: single nucleotide variant.
Coding change: c.7093C>G on transcript NM_004380.3 (MANE Select); coding-DNA position 7093, C replaced by G.
Protein change: p.Pro2365Ala; replaces proline 2365 with alanine.
Molecular consequence: missense variant.
Genome position (GRCh38, 1-based): chr16:3,727,954, G>C on the plus strand (C>G on the coding strand, the complement: CREBBP is on the minus strand). VCF-style: chr16-3727954-G-C. GRCh37 (hg19) VCF-style: chr16-3777955-G-C.
Other names: c.6979C>G, p.Pro2327Ala (NM_001079846.1); short protein forms P2365A, P2327A.
Identifiers: ClinVar variation 5005583 (VCV005005583.2).
Genomic context (GRCh38, chr16:3,727,954, plus strand): 5'-GGTGGGGGGAACCAGTCTGGGGTGAGACGTGGTGTGGCGAAGGCTGGGGCTGTATCCGTG[G>C]TGACGGGCTGGAATGTGGAGGCTGGGACTGGGGCCGTGGAGACTGGACAGGGGCTGGAGA-3'
Protein context (NP_004371.2, residues 2355-2375): QSQPPHSSPS[Pro2365Ala]RIQPQPSPHH

ClinVar aggregate classification (germline): Uncertain significance (1 of 4 stars; one submission).

Conditions:
Menke-Hennekam syndrome 1 (MKHK1). Identifiers: MedGen C5193034, MONDO:0020763, OMIM 618332.
Rubinstein-Taybi syndrome due to CREBBP mutations (RSTS1). Also called: BROAD THUMB-HALLUX SYNDROME; BROAD THUMBS AND GREAT TOES, CHARACTERISTIC FACIES, AND IMPAIRED INTELLECTUAL DEVELOPMENT; RUBINSTEIN SYNDROME; RUBINSTEIN-TAYBI SYNDROME 1, INCOMPLETE; CREBBP-Related Rubinstein-Taybi Syndrome; Rubinstein-Taybi syndrome 1. Identifiers: Orphanet 353277, Orphanet 783, MedGen C4551859, MONDO:0008393, OMIM 180849.

Submission:

Juno Genomics, Hangzhou Juno Genomics, Inc
Classification: Uncertain significance for Menke-Hennekam syndrome 1; Rubinstein-Taybi syndrome due to CREBBP mutations. Review status: criteria provided, single submitter. Criteria: ACMG Guidelines, 2015. Collection method: clinical testing. Allele origin: germline.
Comment: Absent from controls (or at extremely low frequency if recessive) in Genome Aggregation Database.;Missense variant in a gene that has a low rate of benign missense variation.